The following is an entry in ClinVar:

NM_003922.4(HERC1):c.577A>G (p.Ile193Val)

Gene: HERC1 (HECT and RLD domain containing E3 ubiquitin protein ligase family member 1; minus strand). Cytogenetic location: 15q22.31.
Variant type: single nucleotide variant.
Coding change: c.577A>G on transcript NM_003922.4 (MANE Select); coding-DNA position 577, A replaced by G.
Protein change: p.Ile193Val; replaces isoleucine 193 with valine.
Molecular consequence: missense variant.
Genome position (GRCh38, 1-based): chr15:63,775,047, T>C on the plus strand (A>G on the coding strand, the complement: HERC1 is on the minus strand). VCF-style: chr15-63775047-T-C. GRCh37 (hg19) VCF-style: chr15-64067246-T-C.
Other names: short protein forms I193V.
Identifiers: ClinVar variation 1325536 (VCV001325536.7), dbSNP rs768690717, ClinGen allele CA7606637.

ClinVar aggregate classification (germline): Uncertain significance. Review status: criteria provided, multiple submitters, no conflicts (2 of 4 stars). 4 submissions from 4 submitters: Uncertain significance (4). Last evaluated 2024-09-26.

Conditions:
Inborn genetic diseases. Identifiers: MedGen C0950123, MeSH D030342.
Macrocephaly, dysmorphic facies, and psychomotor retardation (MDFPMR). Identifiers: Orphanet 457359, MedGen C4310766, MONDO:0014863, OMIM 617011.

Allele frequency attached by ClinVar (database versions not stated): gnomAD exomes below 0.00001 and 0.00001; ExAC 0.00001; gnomAD 0.00015 and 0.00019; TOPMed 0.00038.
gnomAD v4.1: 48 of 1,613,936 alleles (0.003%); highest among the groups gnomAD compares: Admixed American, 0.055%; no homozygotes.

Submissions (4):

GeneDx
Classification: Uncertain significance. Last evaluated: 2024-09-26. Review status: criteria provided, single submitter. Criteria: GeneDx Variant Classification Process June 2021. Collection method: clinical testing. Allele origin: germline. Affected: yes.
Comment: In silico analysis indicates that this missense variant does not alter protein structure/function; Has not been previously published as pathogenic or benign to our knowledge

Labcorp Genetics (formerly Invitae), Labcorp
Classification: Uncertain significance. Last evaluated: 2022-05-31. Review status: criteria provided, single submitter. Criteria: Invitae Variant Classification Sherloc (09022015). Collection method: clinical testing. Allele origin: germline.
Comment: In summary, the available evidence is currently insufficient to determine the role of this variant in disease. Therefore, it has been classified as a Variant of Uncertain Significance. Algorithms developed to predict the effect of missense changes on protein structure and function are either unavailable or do not agree on the potential impact of this missense change (SIFT: "Deleterious"; PolyPhen-2: "Benign"; Align-GVGD: "Class C0"). ClinVar contains an entry for this variant (Variation ID: 1325536). This variant has not been reported in the literature in individuals affected with HERC1-related conditions. This variant is present in population databases (rs768690717, gnomAD 0.006%). This sequence change replaces isoleucine, which is neutral and non-polar, with valine, which is neutral and non-polar, at codon 193 of the HERC1 protein (p.Ile193Val).

Ambry Genetics
Classification: Uncertain significance for Inborn genetic diseases. Last evaluated: 2022-05-27. Review status: criteria provided, single submitter. Criteria: Ambry Variant Classification Scheme 2023. Collection method: clinical testing. Allele origin: germline.

New York Genome Center
Classification: Uncertain significance for Macrocephaly, dysmorphic facies, and psychomotor retardation. Last evaluated: 2020-04-20. Review status: criteria provided, single submitter. Criteria: NYGC Assertion Criteria 2020. Collection method: clinical testing. Allele origin: germline. Observed: 1 heterozygote. Study: CSER-NYCKidSeq.